The following is an entry in ClinVar:

NM_015378.4(VPS13D):c.12647C>T (p.Thr4216Ile)

Gene: VPS13D (vacuolar protein sorting 13 homolog D; plus strand). Cytogenetic location: 1p36.22.
Variant type: single nucleotide variant.
Coding change: c.12647C>T on transcript NM_015378.4 (MANE Select); coding-DNA position 12647, C replaced by T.
Protein change: p.Thr4216Ile; replaces threonine 4216 with isoleucine.
Molecular consequence: missense variant.
Genome position (GRCh38, 1-based): chr1:12,460,381, C>T. VCF-style: chr1-12460381-C-T. GRCh37 (hg19) VCF-style: chr1-12520436-C-T.
Other names: p.Thr4216Ile; c.12572C>T, p.Thr4191Ile (NM_018156.4); c.12647C>T (NM_015378.3); short protein forms T4191I, T4216I.
Identifiers: ClinVar variation 1514661 (VCV001514661.17), dbSNP rs143861538, ClinGen allele CA604255.

ClinVar aggregate classification (germline): Conflicting classifications of pathogenicity. Review status: criteria provided, conflicting classifications (1 of 4 stars). 5 submissions from 5 submitters: Uncertain significance (2); Likely benign (3). Last evaluated 2026-06-01.

Conditions:
VPS13D-related disorder. Also called: VPS13D-related condition.

Allele frequency attached by ClinVar (database versions not stated): 1000 Genomes Project 0.00040; 1000 Genomes Project 30x 0.00047; ExAC 0.00091; gnomAD exomes 0.00094 and 0.00166; gnomAD 0.00109 and 0.00128; TOPMed 0.00119; ESP Exome Variant Server 0.00154.
gnomAD v4.1: 2,589 of 1,601,672 alleles (0.16%); highest among the groups gnomAD compares: Non-Finnish European, 0.19%; 3 homozygotes.

Submissions (5):

CeGaT Center for Human Genetics Tuebingen
Classification: Uncertain significance. Last evaluated: 2026-06-01. Review status: criteria provided, single submitter. Criteria: CeGaT Center For Human Genetics Tuebingen Variant Classification Criteria Version 2. Collection method: clinical testing. Allele origin: germline. Affected: yes. Observed: 2 variant alleles.

Labcorp Genetics (formerly Invitae), Labcorp
Classification: Uncertain significance. Last evaluated: 2026-01-14. Review status: criteria provided, single submitter. Criteria: Invitae Variant Classification Sherloc (09022015). Collection method: clinical testing. Allele origin: germline.
Comment: This sequence change replaces threonine, which is neutral and polar, with isoleucine, which is neutral and non-polar, at codon 4216 of the VPS13D protein (p.Thr4216Ile). This variant is present in population databases (rs143861538, gnomAD 0.1%), and has an allele count higher than expected for a pathogenic variant. This variant has not been reported in the literature in individuals affected with VPS13D-related conditions. ClinVar contains an entry for this variant (Variation ID: 1514661). Invitae Evidence Modeling of protein sequence and biophysical properties (such as structural, functional, and spatial information, amino acid conservation, physicochemical variation, residue mobility, and thermodynamic stability) indicates that this missense variant is expected to disrupt VPS13D protein function with a positive predictive value of 80%. In summary, the available evidence is currently insufficient to determine the role of this variant in disease. Therefore, it has been classified as a Variant of Uncertain Significance.

PreventionGenetics, part of Exact Sciences
Classification: Likely benign for VPS13D-related condition. Last evaluated: 2025-11-07. Review status: criteria provided, single submitter. Criteria: ACMG Guidelines, 2015. Collection method: clinical testing. Allele origin: germline.
Comment: This variant is classified as likely benign based on ACMG/AMP sequence variant interpretation guidelines (Richards et al. 2015 PMID: 25741868, with internal and published modifications).

Mayo Clinic Laboratories, Mayo Clinic
Classification: Likely benign. Last evaluated: 2025-09-19. Review status: criteria provided, single submitter. Criteria: ACMG Guidelines, 2015. Collection method: clinical testing. Allele origin: germline. Observed: 7 variant alleles.
Comment: BS1, BP4

Blueprint Genetics
Classification: Likely benign. Last evaluated: 2024-11-20. Review status: criteria provided, single submitter. Criteria: ACMG Guidelines, 2015. Collection method: clinical testing. Allele origin: germline.